The following is an entry in ClinVar:

NM_001164277.2(SLC37A4):c.344_345dup (p.Leu116fs)

Gene: SLC37A4 (solute carrier family 37 member 4; minus strand). Cytogenetic location: 11q23.3.
Variant type: Duplication.
Coding change: c.344_345dup on transcript NM_001164277.2 (MANE Select); coding-DNA positions 344 to 345, 2 bases duplicated (GG; older notation c.344_345dupGG).
Protein change: p.Leu116fs; shifts the reading frame from leucine 116.
Molecular consequence: frameshift variant.
Genome position (GRCh38, 1-based): chr11:119,028,230-119,028,231, CC duplicated on the plus strand (GG on the coding strand, the reverse complement: SLC37A4 is on the minus strand); duplicating any 2 consecutive bases within chr11:119,028,230-119,028,233 gives the same sequence; the c. name uses the placement nearest the transcript's 3' end. VCF-style (leftmost placement, unchanged base first): chr11-119028229-G-GCC. GRCh37 (hg19) VCF-style: chr11-118898939-G-GCC.
Other names: c.345_346insGG (NM_001467.6); c.344_345dupGG (NM_001164277.1); c.344_345dup, p.Leu116fs (NM_001164278.2, NM_001164280.2, NM_001467.6); c.125_126dup, p.Leu43fs (NM_001164279.2); short protein forms L43fs, L116fs.
Identifiers: ClinVar variation 550962 (VCV000550962.19), dbSNP rs782604758, ClinGen allele CA6311858.

ClinVar aggregate classification (germline): Pathogenic/Likely pathogenic. Review status: criteria provided, multiple submitters, no conflicts (2 of 4 stars). 6 submissions from 6 submitters: Pathogenic (4); Likely pathogenic (1). 1 of the submissions does not count toward it. Last evaluated 2025-08-04.

Conditions:
Glucose-6-phosphate transport defect (GSD1B). Also called: Glycogen Storage Disease Type Ib; GSD Ib. Identifiers: Orphanet 364, Orphanet 79259, MedGen C0268146, MONDO:0009288, OMIM 232220.

Submissions (6):

Natera, Inc.
Classification: Pathogenic for Glycogen storage disease type Ib. Last evaluated: 2025-08-04. Review status: criteria provided, single submitter. Criteria: Natera Variant Classification Schema (03/2026). Collection method: clinical testing. Allele origin: germline.
Comment: The c.344_345dupGG variant in SLC37A4 is a frameshift variant predicted to shift the reading frame beginning at codon 116 and leads to a stop codon 31 codons downstream. This variant is expected to result in nonsense mediated decay, truncation, or a dysfunctional protein product. This variant is rare in the general population with a frequency below the threshold expected for the associated phenotype(s). This variant has been observed in one or more individuals affected with the associated recessive disease, as either homozygous or compound heterozygous with a second variant (PMID: 31508908). Given the available evidence, this variant is classified as Pathogenic.

Baylor Genetics
Classification: Likely pathogenic for Glucose-6-phosphate transport defect. Last evaluated: 2024-02-19. Review status: criteria provided, single submitter. Criteria: ACMG Guidelines, 2015. Collection method: clinical testing. Allele origin: unknown.

Labcorp Genetics (formerly Invitae), Labcorp
Classification: Pathogenic for Glucose-6-phosphate transport defect. Last evaluated: 2024-02-12. Review status: criteria provided, single submitter. Criteria: Invitae Variant Classification Sherloc (09022015). Collection method: clinical testing. Allele origin: germline.
Comment: This sequence change creates a premature translational stop signal (p.Leu116Glyfs*31) in the SLC37A4 gene. It is expected to result in an absent or disrupted protein product. Loss-of-function variants in SLC37A4 are known to be pathogenic (PMID: 9758626, 10940311). This variant is present in population databases (rs782604758, gnomAD 0.001%). This premature translational stop signal has been observed in individual(s) with glycogen storage disease (PMID: 10518030). ClinVar contains an entry for this variant (Variation ID: 550962). Algorithms developed to predict the effect of sequence changes on RNA splicing suggest that this variant may disrupt the consensus splice site. For these reasons, this variant has been classified as Pathogenic.

Laboratorio de Genetica e Diagnostico Molecular, Hospital Israelita Albert Einstein
Classification: Pathogenic. Last evaluated: 2021-04-14. Review status: criteria provided, single submitter. Criteria: ACMG Guidelines, 2015. Collection method: clinical testing. Allele origin: germline. Affected: yes.
Comment: ACMG classification criteria: PVS1, PS4, PM2, PM3

Women's Health and Genetics/Laboratory Corporation of America, LabCorp
Classification: Pathogenic for Glucose-6-phosphate transport defect. Last evaluated: 2020-08-21. Review status: criteria provided, single submitter. Criteria: LabCorp Variant Classification Summary - May 2015. Collection method: clinical testing. Allele origin: germline.
Comment: Variant summary: SLC37A4 c.344_345dupGG (p.Leu116GlyfsX31) results in a premature termination codon, predicted to cause a truncation of the encoded protein or absence of the protein due to nonsense mediated decay, which are commonly known mechanisms for disease. Truncations downstream of this position have been classified as pathogenic by our laboratory. The variant allele was found at a frequency of 4.3e-06 in 233828 control chromosomes. c.344_345dupGG has been reported in the literature in multiple individuals affected with Glycogen Storage Disease Type Ib (examples- Galli_1999, Sperb-Ludwig_2019). These data indicate that the variant is very likely to be associated with disease. To our knowledge, no experimental evidence demonstrating an impact on protein function has been reported. Two clinical diagnostic laboratories have submitted clinical-significance assessments for this variant to ClinVar after 2014 without evidence for independent evaluation. Both laboratories classified the variant as pathogenic/likely pathogenic. Based on the evidence outlined above, the variant was classified as pathogenic.

Counsyl
Classification: Likely pathogenic for Glucose-6-phosphate transport defect. Last evaluated: 2017-03-03. Review status: no assertion criteria provided. Collection method: clinical testing. Allele origin: unknown. Not counted in ClinVar's aggregate classification.

Literature cited by the submitters: PubMed 31508908 (cited by Natera, Inc. and Women's Health and Genetics/Laboratory Corporation of America, LabCorp); PubMed 9758626 (cited by Labcorp Genetics (formerly Invitae), Labcorp); PubMed 10940311 (cited by Labcorp Genetics (formerly Invitae), Labcorp); PubMed 10518030 (cited by 3 submitters).